The following is an entry in ClinVar:

ClinVar aggregate classification (germline): Likely pathogenic (1 of 4 stars; one submission).

Conditions:
KCNA3-associated developmental and epileptic encephalopathy.

Submission:

Institute of Human Genetics, University of Leipzig Medical Center
Classification: Likely pathogenic for KCNA3-associated developmental and epileptic encephalopathy. Last evaluated: 2023-02-14. Review status: criteria provided, single submitter. Criteria: ACMG Guidelines, 2015. Collection method: research. Allele origin: de novo. Inheritance: Autosomal dominant inheritance. Affected: yes. Observed: 1 variant allele.
Comment: This variant was identified as de novo (maternity and paternity confirmed). Criteria applied: PS3, PS2_MOD, PM2_SUP, PP3

Literature cited by the submitters: PubMed 37964487.

NM_002232.5(KCNA3):c.1432G>A (p.Val478Met)

Gene: KCNA3 (potassium voltage-gated channel subfamily A member 3; minus strand). Cytogenetic location: 1p13.3.
Variant type: single nucleotide variant.
Coding change: c.1432G>A on transcript NM_002232.5 (MANE Select); coding-DNA position 1432, G replaced by A.
Protein change: p.Val478Met; replaces valine 478 with methionine.
Molecular consequence: missense variant. On other transcripts: non-coding transcript variant (1).
Genome position (GRCh38, 1-based): chr1:110,673,378, C>T on the plus strand (G>A on the coding strand, the complement: KCNA3 is on the minus strand). VCF-style: chr1-110673378-C-T. GRCh37 (hg19) VCF-style: chr1-111216000-C-T.
Other names: short protein forms V478M.
Identifiers: ClinVar variation 2500318 (VCV002500318.2), dbSNP rs2524761160, ClinGen allele CA341807924.